The following is an entry in ClinVar:

ClinVar aggregate classification (germline): Uncertain significance. Review status: criteria provided, multiple submitters, no conflicts (2 of 4 stars). 5 submissions from 5 submitters: Uncertain significance (4). 1 of the submissions does not count toward it. Last evaluated 2025-11-26.

Conditions:
Inborn genetic diseases. Identifiers: MedGen C0950123, MeSH D030342.
Pontocerebellar hypoplasia type 1A (PCH1A). Also called: PONTOCEREBELLAR HYPOPLASIA WITH ANTERIOR HORN CELL DISEASE; PONTOCEREBELLAR HYPOPLASIA WITH INFANTILE SPINAL MUSCULAR ATROPHY. Identifiers: Orphanet 2254, Orphanet 88616, MedGen C1843504, MONDO:0011866, OMIM 607596.

Allele frequency attached by ClinVar (database versions not stated): gnomAD 0.00001; gnomAD exomes 0.00001 and 0.00002; ExAC 0.00002; TOPMed 0.00005.
gnomAD v4.1: 12 of 1,613,584 alleles (0.00074%); highest among the groups gnomAD compares: Admixed American, 0.0033%; no homozygotes.

Submissions (5):

Myriad Genetics, Inc.
Classification: Uncertain significance for Pontocerebellar hypoplasia type 1A. Last evaluated: 2025-11-26. Review status: criteria provided, single submitter. Criteria: Myriad Autosomal Dominant, Autosomal Recessive and X-Linked Classification Criteria (2023). Collection method: clinical testing. Allele origin: unknown.
Comment: NM_003384.2(VRK1):c.772C>T(H258Y) is a missense variant classified as a variant of uncertain significance in the context of pontocerebellar hypoplasia, VRK1-related. H258Y has not been observed in cases with relevant disease. Relevant functional assessments of this variant are not available in the literature. H258Y has been observed in referenced population frequency databases. In summary, there is insufficient evidence to classify NM_003384.2(VRK1):c.772C>T(H258Y) as pathogenic or benign. Please note: this variant was assessed in the context of healthy population screening.

Ambry Genetics
Classification: Uncertain significance for Inborn genetic diseases. Last evaluated: 2024-11-12. Review status: criteria provided, single submitter. Criteria: Ambry Variant Classification Scheme 2023. Collection method: clinical testing. Allele origin: germline.

GeneDx
Classification: Uncertain significance. Last evaluated: 2024-07-02. Review status: criteria provided, single submitter. Criteria: GeneDx Variant Classification Process June 2021. Collection method: clinical testing. Allele origin: germline. Affected: yes.
Comment: Not observed at significant frequency in large population cohorts (gnomAD); In silico analysis indicates that this missense variant does not alter protein structure/function; Has not been previously published as pathogenic or benign to our knowledge

Labcorp Genetics (formerly Invitae), Labcorp
Classification: Uncertain significance for Pontocerebellar hypoplasia type 1A. Last evaluated: 2021-08-31. Review status: criteria provided, single submitter. Criteria: Invitae Variant Classification Sherloc (09022015). Collection method: clinical testing. Allele origin: germline.
Comment: This sequence change replaces histidine with tyrosine at codon 258 of the VRK1 protein (p.His258Tyr). The histidine residue is weakly conserved and there is a moderate physicochemical difference between histidine and tyrosine. This variant is present in population databases (rs761905254, ExAC 0.009%). This variant has not been reported in the literature in individuals affected with VRK1-related conditions. Algorithms developed to predict the effect of missense changes on protein structure and function output the following: SIFT: "Tolerated"; PolyPhen-2: "Benign"; Align-GVGD: "Class C0". The tyrosine amino acid residue is found in multiple mammalian species, which suggests that this missense change does not adversely affect protein function. In summary, the available evidence is currently insufficient to determine the role of this variant in disease. Therefore, it has been classified as a Variant of Uncertain Significance.

Natera, Inc.
Classification: Uncertain significance for Pontocerebellar hypoplasia, type 1a. Last evaluated: 2020-09-21. Review status: no assertion criteria provided. Collection method: clinical testing. Allele origin: germline. Not counted in ClinVar's aggregate classification.

NM_003384.3(VRK1):c.772C>T (p.His258Tyr)

Gene: VRK1 (VRK serine/threonine kinase 1; plus strand). Cytogenetic location: 14q32.2.
Variant type: single nucleotide variant.
Coding change: c.772C>T on transcript NM_003384.3 (MANE Select); coding-DNA position 772, C replaced by T.
Protein change: p.His258Tyr; replaces histidine 258 with tyrosine.
Molecular consequence: missense variant.
Genome position (GRCh38, 1-based): chr14:96,856,192, C>T. VCF-style: chr14-96856192-C-T. GRCh37 (hg19) VCF-style: chr14-97322529-C-T.
Other names: short protein forms H258Y.
Identifiers: ClinVar variation 565949 (VCV000565949.10), dbSNP rs761905254, ClinGen allele CA7339078.